The following is an entry in ClinVar:

NM_016013.4(NDUFAF1):c.785C>G (p.Ser262Cys)

Gene: NDUFAF1 (NADH:ubiquinone oxidoreductase complex assembly factor 1; minus strand). Cytogenetic location: 15q15.1.
Variant type: single nucleotide variant.
Coding change: c.785C>G on transcript NM_016013.4 (MANE Select); coding-DNA position 785, C replaced by G.
Protein change: p.Ser262Cys; replaces serine 262 with cysteine.
Molecular consequence: missense variant. On other transcripts: non-coding transcript variant (1).
Genome position (GRCh38, 1-based): chr15:41,388,497, G>C on the plus strand (C>G on the coding strand, the complement: NDUFAF1 is on the minus strand). VCF-style: chr15-41388497-G-C. GRCh37 (hg19) VCF-style: chr15-41680695-G-C.
Other names: short protein forms S262C.
Identifiers: ClinVar variation 3602798 (VCV003602798.1).
Genomic context (GRCh38, chr15:41,388,497, plus strand): 5'-GAATATGTTACCTTATCAAGCGGAAGCTCATGCTGAACATCCCGGATTCTTCCTCGATTA[G>C]AGAAGAAAAATTTGGAAAAAGGAATCTGAAAGAAGAAACCATTTACTTCATAACTGAAAT-3'
Protein context (NP_057097.2, residues 252-272): VKIPFSKFFF[Ser262Cys]NRGRIRDVQH

ClinVar aggregate classification (germline): Uncertain significance (1 of 4 stars; one submission).

gnomAD v4.1: 1 of 1,612,782 alleles (0.000062%); highest among the groups gnomAD compares: East Asian, 0.0022%; no homozygotes.

Submission:

GeneDx
Classification: Uncertain significance. Last evaluated: 2024-08-06. Review status: criteria provided, single submitter. Criteria: GeneDx Variant Classification Process June 2021. Collection method: clinical testing. Allele origin: germline. Affected: yes.
Comment: Not observed at significant frequency in large population cohorts (gnomAD); In silico analysis supports that this missense variant has a deleterious effect on protein structure/function; Has not been previously published as pathogenic or benign to our knowledge